The following is an entry in ClinVar:

ClinVar aggregate classification (germline): Uncertain significance (1 of 4 stars; one submission).

Allele frequency attached by ClinVar (database versions not stated): gnomAD exomes 0.00002; TOPMed 0.00003; gnomAD 0.00004.
gnomAD v4.1: 40 of 1,611,388 alleles (0.0025%); highest among the groups gnomAD compares: African/African-American, 0.017%; no homozygotes.

Submission:

Labcorp Genetics (formerly Invitae), Labcorp
Classification: Uncertain significance. Last evaluated: 2022-01-27. Review status: criteria provided, single submitter. Criteria: Invitae Variant Classification Sherloc (09022015). Collection method: clinical testing. Allele origin: germline.
Comment: This sequence change replaces glutamic acid, which is acidic and polar, with lysine, which is basic and polar, at codon 226 of the TCIRG1 protein (p.Glu226Lys). This variant is present in population databases (no rsID available, gnomAD 0.01%). This variant has not been reported in the literature in individuals affected with TCIRG1-related conditions. Algorithms developed to predict the effect of missense changes on protein structure and function are either unavailable or do not agree on the potential impact of this missense change (SIFT: "Tolerated"; PolyPhen-2: "Possibly Damaging"; Align-GVGD: "Class C0"). In summary, the available evidence is currently insufficient to determine the role of this variant in disease. Therefore, it has been classified as a Variant of Uncertain Significance.

NM_006019.4(TCIRG1):c.676G>A (p.Glu226Lys)

Gene: TCIRG1 (T cell immune regulator 1, ATPase H+ transporting V0 subunit a3; plus strand). Cytogenetic location: 11q13.2.
Variant type: single nucleotide variant.
Coding change: c.676G>A on transcript NM_006019.4 (MANE Select); coding-DNA position 676, G replaced by A.
Protein change: p.Glu226Lys; replaces glutamic acid 226 with lysine.
Molecular consequence: missense variant. On other transcripts: 5 prime UTR variant (1).
Genome position (GRCh38, 1-based): chr11:68,043,616, G>A. VCF-style: chr11-68043616-G-A. GRCh37 (hg19) VCF-style: chr11-67811083-G-A.
Other names: c.-235G>A (NM_001351059.2); c.28G>A, p.Glu10Lys (NM_006053.4); short protein forms E10K, E226K.
Identifiers: ClinVar variation 1988358 (VCV001988358.3), dbSNP rs1258673482, ClinGen allele CA381578644.